The following is an entry in ClinVar:

NM_018723.4(RBFOX1):c.46G>A (p.Ala16Thr)

Gene: RBFOX1 (RNA binding fox-1 homolog 1; plus strand). Cytogenetic location: 16p13.3.
Variant type: single nucleotide variant.
Coding change: c.46G>A on transcript NM_018723.4 (MANE Select); coding-DNA position 46, G replaced by A.
Protein change: p.Ala16Thr; replaces alanine 16 with threonine.
Molecular consequence: missense variant.
Genome position (GRCh38, 1-based): chr16:7,518,165, G>A. VCF-style: chr16-7518165-G-A. GRCh37 (hg19) VCF-style: chr16-7568167-G-A.
Other names: c.46G>A, p.Ala16Thr (NM_001142333.2, NM_001142334.2, NM_001364800.2); c.175G>A, p.Ala59Thr (NM_001308117.1); c.106G>A, p.Ala36Thr (NM_145891.3, NM_145892.3, NM_145893.3); short protein forms A16T, A36T, A59T.
Identifiers: ClinVar variation 529520 (VCV000529520.12), dbSNP rs779321097, ClinGen allele CA7891295.
Genomic context (GRCh38, chr16:7,518,165, plus strand): 5'-TCATGACGTTCTCTCCCTCTCTGCACCTTTTTGATTTTTCAGGGTAATCAGGAAGCAGCC[G>A]CTGCCCCTGACACAATGGCTCAGCCTTACGCTTCGGCCCAGTTTGCTCCCCCGCAGAACG-3'
Protein context (NP_061193.2, residues 6-26): EQLRGNQEAA[Ala16Thr]APDTMAQPYA

ClinVar aggregate classification (germline): Uncertain significance (1 of 4 stars; one submission).

Conditions:
Idiopathic generalized epilepsy. Also called: Generalised epilepsy; EIG. Identifiers: MedGen C0270850, MONDO:0005579, OMIM 600669.

Allele frequency attached by ClinVar (database versions not stated): gnomAD exomes below 0.00001 and 0.00001; ExAC 0.00001; gnomAD 0.00001; TOPMed 0.00002.
gnomAD v4.1: 19 of 1,611,534 alleles (0.0012%); highest among the groups gnomAD compares: Admixed American, 0.005%; no homozygotes.

Submission:

Labcorp Genetics (formerly Invitae), Labcorp
Classification: Uncertain significance for Idiopathic generalized epilepsy. Last evaluated: 2026-01-17. Review status: criteria provided, single submitter. Criteria: Invitae Variant Classification Sherloc (09022015). Collection method: clinical testing. Allele origin: germline.
Comment: This sequence change replaces alanine, which is neutral and non-polar, with threonine, which is neutral and polar, at codon 36 of the RBFOX1 protein (p.Ala36Thr). The frequency data for this variant in the population databases is considered unreliable, as metrics indicate poor data quality at this position in the gnomAD database. This variant has not been reported in the literature in individuals affected with RBFOX1-related conditions. ClinVar contains an entry for this variant (Variation ID: 529520). Invitae Evidence Modeling of protein sequence and biophysical properties (such as structural, functional, and spatial information, amino acid conservation, physicochemical variation, residue mobility, and thermodynamic stability) indicates that this missense variant is not expected to disrupt RBFOX1 protein function with a negative predictive value of 80%. In summary, the available evidence is currently insufficient to determine the role of this variant in disease. Therefore, it has been classified as a Variant of Uncertain Significance.